The following is an entry in ClinVar:

NM_004281.4(BAG3):c.705G>A (p.Ala235=)

Gene: BAG3 (BAG cochaperone 3; plus strand). Cytogenetic location: 10q26.11.
Variant type: single nucleotide variant.
Coding change: c.705G>A on transcript NM_004281.4 (MANE Select); coding-DNA position 705, G replaced by A.
Protein change: p.Ala235=; no amino-acid change (alanine 235 retained).
Molecular consequence: synonymous variant.
Genome position (GRCh38, 1-based): chr10:119,672,452, G>A. VCF-style: chr10-119672452-G-A. GRCh37 (hg19) VCF-style: chr10-121431964-G-A.
Identifiers: ClinVar variation 227187 (VCV000227187.35), dbSNP rs141328836, ClinGen allele CA5716399.
Genomic context (GRCh38, chr10:119,672,452, plus strand): 5'-CGTTACCCGGCCAGCAGCCCAGCCCTCCTTCCACCAAGCCCAGAAGACGCACTACCCAGC[G>A]CAGCAGGGGGAGTACCAGACCCACCAGCCTGTGTACCACAAGATCCAGGGGGATGACTGG-3'
Protein context (NP_004272.2, residues 225-245): FHQAQKTHYP[Ala235=]QQGEYQTHQP

ClinVar aggregate classification (germline): Benign/Likely benign. Review status: criteria provided, multiple submitters, no conflicts (2 of 4 stars). 7 submissions from 7 submitters: Benign (1); Likely benign (5). 1 of the submissions does not count toward it. Last evaluated 2026-05-04.

Conditions:
BAG3-related disorder. Also called: BAG3-related condition.
Cardiovascular phenotype. Identifiers: MedGen CN230736.
Myofibrillar myopathy 6. Identifiers: Orphanet 199340, MedGen C2751831, MONDO:0013061, OMIM 612954.
Dilated cardiomyopathy 1HH (CMD1HH). Identifiers: Orphanet 154, MedGen C3151293, MONDO:0013479, OMIM 613881.

Allele frequency attached by ClinVar (database versions not stated): gnomAD 0.00002 and 0.00003; TOPMed 0.00006; ExAC 0.00007; gnomAD exomes 0.00007; 1000 Genomes Project 30x 0.00031; 1000 Genomes Project 0.00040.
gnomAD v4.1: 91 of 1,614,184 alleles (0.0056%); highest among the groups gnomAD compares: East Asian, 0.065%; 1 homozygote.

Submissions (7):

Women's Health and Genetics/Laboratory Corporation of America, LabCorp
Classification: Benign. Last evaluated: 2026-05-04. Review status: criteria provided, single submitter. Criteria: LabCorp Variant Classification Summary - May 2015. Collection method: clinical testing. Allele origin: germline.

Labcorp Genetics (formerly Invitae), Labcorp
Classification: Likely benign for Dilated cardiomyopathy 1HH; Myofibrillar myopathy 6. Last evaluated: 2026-01-11. Review status: criteria provided, single submitter. Criteria: Invitae Variant Classification Sherloc (09022015). Collection method: clinical testing. Allele origin: germline.

Blueprint Genetics
Classification: Likely benign. Last evaluated: 2024-06-14. Review status: criteria provided, single submitter. Criteria: ACMG Guidelines, 2015. Collection method: clinical testing. Allele origin: germline.

Ambry Genetics
Classification: Likely benign for Cardiovascular phenotype. Last evaluated: 2020-06-22. Review status: criteria provided, single submitter. Criteria: Ambry Variant Classification Scheme 2023. Collection method: clinical testing. Allele origin: germline.

GeneDx
Classification: Likely benign. Last evaluated: 2020-01-28. Review status: criteria provided, single submitter. Criteria: GeneDx Variant Classification Process June 2021. Collection method: clinical testing. Allele origin: germline. Affected: yes.

Laboratory for Molecular Medicine, Mass General Brigham Personalized Medicine
Classification: Likely benign. Last evaluated: 2015-05-19. Review status: criteria provided, single submitter. Criteria: LMM Criteria. Collection method: clinical testing. Allele origin: germline. Observed: 1 variant allele.
Comment: p.Ala235Ala in exon 3 of BAG3: This variant is not expected to have clinical sig nificance because it does not alter an amino acid residue and is not located wit hin the splice consensus sequence. It has been identified in 4/66356 European ch romosomes, 3/8632 East Asian chromosomes, and 2/16508 South Asian chromosomes by the Exome Aggregation Consortium (ExAC; dbSNP r s141328836).

PreventionGenetics, part of Exact Sciences
Classification: Likely benign for BAG3-related condition. Last evaluated: 2020-09-29. Review status: no assertion criteria provided. Collection method: clinical testing. Allele origin: germline. Not counted in ClinVar's aggregate classification.
Comment: This variant is classified as likely benign based on ACMG/AMP sequence variant interpretation guidelines (Richards et al. 2015 PMID: 25741868, with internal and published modifications).